The following is an entry in ClinVar:

NM_000132.4(F8):c.5977G>C (p.Ala1993Pro)

Gene: F8 (coagulation factor VIII; minus strand). Cytogenetic location: Xq28.
Variant type: single nucleotide variant.
Coding change: c.5977G>C on transcript NM_000132.4 (MANE Select); coding-DNA position 5977, G replaced by C.
Protein change: p.Ala1993Pro; replaces alanine 1993 with proline.
Molecular consequence: missense variant.
Genome position (GRCh38, 1-based): chrX:154,903,927, C>G on the plus strand (G>C on the coding strand, the complement: F8 is on the minus strand). VCF-style: chrX-154903927-C-G. GRCh37 (hg19) VCF-style: chrX-154132202-C-G.
Other names: short protein forms A1993P.
Identifiers: ClinVar variation 3907095 (VCV003907095.1).

ClinVar aggregate classification (germline): Uncertain significance (1 of 4 stars; one submission).

Submission:

Women's Health and Genetics/Laboratory Corporation of America, LabCorp
Classification: Uncertain significance. Last evaluated: 2025-06-16. Review status: criteria provided, single submitter. Criteria: LabCorp Variant Classification Summary - May 2015. Collection method: clinical testing. Allele origin: germline.
Comment: Variant summary: F8 c.5977G>C (p.Ala1993Pro) results in a non-conservative amino acid change in the encoded protein sequence. Algorithms developed to predict the effect of missense changes on protein structure and function all suggest that this variant is likely to be disruptive. The variant was absent in 183109 control chromosomes. The available data on variant occurrences in the general population are insufficient to allow any conclusion about variant significance. To our knowledge, no occurrence of c.5977G>C in individuals affected with Factor VIII Deficiency (Hemophilia A) and no experimental evidence demonstrating its impact on protein function have been reported. No submitters have cited clinical-significance assessments for this variant to ClinVar. Based on the evidence outlined above, the variant was classified as uncertain significance.